The following is an entry in ClinVar:

ClinVar aggregate classification (germline): Benign. Review status: criteria provided, multiple submitters, no conflicts (2 of 4 stars). 5 submissions from 5 submitters: Benign (4). 1 of the submissions does not count toward it. Last evaluated 2026-02-04.

Conditions:
Gamma-aminobutyric acid transaminase deficiency (GABATD). Also called: GABA aminotransaminase deficiency; GABA transaminase deficiency; Gamma aminobutyrate transaminase deficiency; 4 alpha aminobutyrate transaminase deficiency. Identifiers: Orphanet 2066, MedGen C0342708, MONDO:0013166, OMIM 613163.

Allele frequency attached by ClinVar (database versions not stated): TOPMed 0.30873; 1000 Genomes Project 30x 0.30918; 1000 Genomes Project 0.31749; ESP Exome Variant Server 0.32261; gnomAD 0.32625 and 0.33127; ExAC 0.38555; gnomAD exomes 0.38834 and 0.41755.
gnomAD v4.1: 658,872 of 1,613,810 alleles (41%); highest among the groups gnomAD compares: Non-Finnish European, 43%; 138,819 homozygotes.

Submissions (5):

Labcorp Genetics (formerly Invitae), Labcorp
Classification: Benign for Gamma-aminobutyric acid transaminase deficiency. Last evaluated: 2026-02-04. Review status: criteria provided, single submitter. Criteria: Invitae Variant Classification Sherloc (09022015). Collection method: clinical testing. Allele origin: germline.

Illumina Laboratory Services, Illumina
Classification: Benign for Gamma-aminobutyric acid transaminase deficiency. Last evaluated: 2018-01-13. Review status: criteria provided, single submitter. Criteria: ICSL Variant Classification Criteria 13 December 2019. Collection method: clinical testing. Allele origin: germline.
Comment: This variant was observed in the ICSL laboratory as part of a predisposition screen in an ostensibly healthy population. It had not been previously curated by ICSL or reported in the Human Gene Mutation Database (HGMD: prior to June 1st, 2018), and was therefore a candidate for classification through an automated scoring system. Utilizing variant allele frequency, disease prevalence and penetrance estimates, and inheritance mode, an automated score was calculated to assess if this variant is too frequent to cause the disease. Based on the score and internal cut-off values, a variant classified as benign is not then subjected to further curation. The score for this variant resulted in a classification of benign for this disease.

Athena Diagnostics
Classification: Benign. Last evaluated: 2017-04-20. Review status: criteria provided, single submitter. Criteria: Athena Diagnostics Criteria. Collection method: clinical testing. Allele origin: germline.

Breakthrough Genomics
Classification: Benign. Review status: criteria provided, single submitter. Criteria: ACMG Guidelines, 2015. Collection method: not provided. Allele origin: germline. Inheritance: Autosomal recessive inheritance. Affected: yes.

Mayo Clinic Laboratories, Mayo Clinic
Classification: Benign. Last evaluated: 2016-02-19. Review status: no assertion criteria provided. Collection method: clinical testing. Allele origin: unknown. Not counted in ClinVar's aggregate classification.

NM_020686.6(ABAT):c.984C>A (p.Val328=)

Gene: ABAT (4-aminobutyrate aminotransferase; plus strand). Cytogenetic location: 16p13.2.
Variant type: single nucleotide variant.
Coding change: c.984C>A on transcript NM_020686.6 (MANE Select); coding-DNA position 984, C replaced by A.
Protein change: p.Val328=; no amino-acid change (valine 328 retained).
Molecular consequence: synonymous variant.
Genome position (GRCh38, 1-based): chr16:8,774,919, C>A. VCF-style: chr16-8774919-C-A. GRCh37 (hg19) VCF-style: chr16-8868776-C-A.
Other names: c.984C>A, p.Val328= (NM_000663.5, NM_001127448.2, NM_001386600.1 and 6 more transcripts); c.945C>A, p.Val315= (NM_001386605.1); c.921C>A, p.Val307= (NM_001386606.1, NM_001386607.1); c.891C>A, p.Val297= (NM_001386608.1); c.849C>A, p.Val283= (NM_001386610.1, NM_001386611.1); c.786C>A, p.Val262= (NM_001386612.1, NM_001386613.1); c.738C>A, p.Val246= (NM_001386614.1); c.1080C>A, p.Val360= (NM_001386615.1).
Identifiers: ClinVar variation 321082 (VCV000321082.19), dbSNP rs1641022, ClinGen allele CA7893393.
Genomic context (GRCh38, chr16:8,774,919, plus strand): 5'-TATTTCTCCCTCCTCTCTCTTCTCCGGCCAGCATGGCTGCGCCTTCTTGGTGGACGAGGT[C>A]CAGACCGGAGGAGGCTGCACGGGCAAGTTCTGGGCCCATGAGCACTGGGGCCTGGATGAC-3'
Protein context (NP_065737.2, residues 318-338): KHGCAFLVDE[Val328=]QTGGGCTGKF